The following is an entry in ClinVar:

NM_001273.5(CHD4):c.231C>T (p.Leu77=)

Gene: CHD4 (chromodomain helicase DNA binding protein 4; minus strand). Cytogenetic location: 12p13.31.
Variant type: single nucleotide variant.
Coding change: c.231C>T on transcript NM_001273.5 (MANE Select); coding-DNA position 231, C replaced by T.
Protein change: p.Leu77=; no amino-acid change (leucine 77 retained).
Molecular consequence: synonymous variant. On other transcripts: intron variant (1).
Genome position (GRCh38, 1-based): chr12:6,602,167, G>A on the plus strand (C>T on the coding strand, the complement: CHD4 is on the minus strand). VCF-style: chr12-6602167-G-A. GRCh37 (hg19) VCF-style: chr12-6711333-G-A.
Other names: c.231C>T, p.Leu77= (NM_001363606.2); c.223-13C>T (NM_001297553.2); c.231C>T (NM_001273.3).
Identifiers: ClinVar variation 2892274 (VCV002892274.5), dbSNP rs566170562, ClinGen allele CA6412565.
Genomic context (GRCh38, chr12:6,602,167, plus strand): 5'-TTCCTCCTCCTCCACAAACTCTGGCCCCTCCCCAGAGCTGTCCCCCAGCTGCCGGCATAA[G>A]AGCATACGCTGGAGCAGGGCAAGGGGGGAAGAGGGAGACAGACACACACATGCTACACAC-3'
Protein context (NP_001264.2, residues 67-87): KSKRQKKERM[Leu77=]LCRQLGDSSG

ClinVar aggregate classification (germline): Likely benign. Review status: criteria provided, single submitter (1 of 4 stars). 2 submissions from 2 submitters: Likely benign (1). 1 of the submissions does not count toward it. Last evaluated 2025-10-08.

Conditions:
CHD4-related disorder. Also called: CHD4-related condition.

Allele frequency attached by ClinVar (database versions not stated): TOPMed 0.00006; gnomAD exomes 0.00016; gnomAD 0.00007; ExAC 0.00013.
gnomAD v4.1: 249 of 1,613,808 alleles (0.015%); highest among the groups gnomAD compares: Non-Finnish European, 0.02%; no homozygotes.

Submissions (2):

Labcorp Genetics (formerly Invitae), Labcorp
Classification: Likely benign. Last evaluated: 2025-10-08. Review status: criteria provided, single submitter. Criteria: Invitae Variant Classification Sherloc (09022015). Collection method: clinical testing. Allele origin: germline.

PreventionGenetics, part of Exact Sciences
Classification: Likely benign for CHD4-related condition. Last evaluated: 2024-06-21. Review status: no assertion criteria provided. Collection method: clinical testing. Allele origin: germline. Not counted in ClinVar's aggregate classification.
Comment: This variant is classified as likely benign based on ACMG/AMP sequence variant interpretation guidelines (Richards et al. 2015 PMID: 25741868, with internal and published modifications).